The following is an entry in ClinVar:

ClinVar aggregate classification (germline): Uncertain significance (1 of 4 stars; one submission).

Conditions:
Hypogonadotropic hypogonadism 1 with or without anosmia (HH1). Also called: Kallmann syndrome, type 1, X-linked; DYSPLASIA OLFACTOGENITALIS OF DE MORSIER; HYPOGONADOTROPIC HYPOGONADISM 1 WITH ANOSMIA; HYPOGONADOTROPIC HYPOGONADISM AND ANOSMIA; KAL1-Related GnRH Deficiency (Kallmann Syndrome 1; Kallmann Syndrome, X-Linked); Hypogonadotropic hypogonadism 1 with or without anosmia (Kallmann syndrome 1). Identifiers: Orphanet 478, MedGen C1563719, MONDO:0010635, OMIM 308700. Disease mechanism: loss of function.

Submission:

Labcorp Genetics (formerly Invitae), Labcorp
Classification: Uncertain significance for Hypogonadotropic hypogonadism 1 with or without anosmia. Last evaluated: 2023-12-21. Review status: criteria provided, single submitter. Criteria: Invitae Variant Classification Sherloc (09022015). Collection method: clinical testing. Allele origin: germline.
Comment: This sequence change replaces alanine, which is neutral and non-polar, with serine, which is neutral and polar, at codon 47 of the ANOS1 protein (p.Ala47Ser). This variant is not present in population databases (gnomAD no frequency). This variant has not been reported in the literature in individuals affected with ANOS1-related conditions. ClinVar contains an entry for this variant (Variation ID: 2002911). Advanced modeling of protein sequence and biophysical properties (such as structural, functional, and spatial information, amino acid conservation, physicochemical variation, residue mobility, and thermodynamic stability) has been performed at Invitae for this missense variant, however the output from this modeling did not meet the statistical confidence thresholds required to predict the impact of this variant on ANOS1 protein function. In summary, the available evidence is currently insufficient to determine the role of this variant in disease. Therefore, it has been classified as a Variant of Uncertain Significance.

NM_000216.4(ANOS1):c.139G>T (p.Ala47Ser)

Gene: ANOS1 (anosmin 1; minus strand). Cytogenetic location: Xp22.31.
Variant type: single nucleotide variant.
Coding change: c.139G>T on transcript NM_000216.4 (MANE Select); coding-DNA position 139, G replaced by T.
Protein change: p.Ala47Ser; replaces alanine 47 with serine.
Molecular consequence: missense variant.
Genome position (GRCh38, 1-based): chrX:8,731,898, C>A on the plus strand (G>T on the coding strand, the complement: ANOS1 is on the minus strand). VCF-style: chrX-8731898-C-A. GRCh37 (hg19) VCF-style: chrX-8699939-C-A.
Other names: short protein forms A47S.
Identifiers: ClinVar variation 2002911 (VCV002002911.4), dbSNP rs1204161111, ClinGen allele CA412024400.